The following is an entry in ClinVar:

ClinVar aggregate classification (germline): Uncertain significance (1 of 4 stars; one submission).

Conditions:
Hereditary cancer-predisposing syndrome. Also called: Neoplastic Syndromes, Hereditary; Hereditary Cancer Syndrome; Hereditary neoplastic syndrome; Tumor predisposition. Identifiers: Orphanet 140162, MedGen C0027672, MeSH D009386, MONDO:0015356.

Submission:

Ambry Genetics
Classification: Uncertain significance for Hereditary cancer-predisposing syndrome. Last evaluated: 2023-06-08. Review status: criteria provided, single submitter. Criteria: Ambry Variant Classification Scheme 2023. Collection method: clinical testing. Allele origin: germline.
Comment: The p.S366T variant (also known as c.1097G>C), located in coding exon 7 of the MSH3 gene, results from a G to C substitution at nucleotide position 1097. The serine at codon 366 is replaced by threonine, an amino acid with similar properties. This amino acid position is conserved. In addition, this alteration is predicted to be tolerated by in silico analysis. Since supporting evidence is limited at this time, the clinical significance of this alteration remains unclear.

NM_002439.5(MSH3):c.1097G>C (p.Ser366Thr)

Gene: MSH3 (mutS homolog 3; plus strand). Cytogenetic location: 5q14.1.
Variant type: single nucleotide variant.
Coding change: c.1097G>C on transcript NM_002439.5 (MANE Select); coding-DNA position 1097, G replaced by C.
Protein change: p.Ser366Thr; replaces serine 366 with threonine.
Molecular consequence: missense variant.
Genome position (GRCh38, 1-based): chr5:80,675,052, G>C. VCF-style: chr5-80675052-G-C. GRCh37 (hg19) VCF-style: chr5-79970871-G-C.
Other names: short protein forms S366T.
Identifiers: ClinVar variation 2565686 (VCV002565686.2), dbSNP rs1201188083, ClinGen allele CA360268080.
Genomic context (GRCh38, chr5:80,675,052, plus strand): 5'-CCCTAATCAAGCTGGATGATGCTGTAAATGTTGATGAGATAATGACTGATACTTCTACCA[G>C]CTATCTTCTGTGCATCTCTGAAAATAAGGAAAATGTTAGGGACAAAAAAAAGGGCAACAT-3'
Protein context (NP_002430.3, residues 356-376): VDEIMTDTST[Ser366Thr]YLLCISENKE